The following is an entry in ClinVar:

ClinVar aggregate classification (germline): Pathogenic/Likely pathogenic. Review status: criteria provided, multiple submitters, no conflicts (2 of 4 stars). 4 submissions from 4 submitters: Pathogenic (1); Likely pathogenic (2). 1 of the submissions does not count toward it. Last evaluated 2025-06-06.

Conditions:
Hematuria, benign familial, 2 (BFH2). Identifiers: MedGen C5830421, MONDO:0958186, OMIM 620320.
Alport syndrome 3b, autosomal recessive. Identifiers: MedGen C5882699, MONDO:0957811, OMIM 620536.
Autosomal dominant Alport syndrome (ATS3A). Also called: ALPORT SYNDROME 3A, AUTOSOMAL DOMINANT; Alport syndrome dominant type; Renal failure and sensorineural hearing loss. Identifiers: Orphanet 63, Orphanet 88918, MedGen C5882663, MONDO:0007086, OMIM 104200.

Submissions (4):

GeneDx
Classification: Likely pathogenic. Last evaluated: 2025-06-06. Review status: criteria provided, single submitter. Criteria: GeneDx Variant Classification Process June 2021. Collection method: clinical testing. Allele origin: germline. Affected: yes.
Comment: Affects a glycine residue in a Gly-X-Y motif in the triple helical region of the COL4A3 gene, where the majority of pathogenic missense variants occur, and is predicted to disrupt normal protein folding and function (PMID: 10752524); Not observed at significant frequency in large population cohorts (gnomAD); In silico analysis supports that this missense variant has a deleterious effect on protein structure/function; This variant is associated with the following publications: (PMID: 10752524, 30586318)

Labcorp Genetics (formerly Invitae), Labcorp
Classification: Likely pathogenic. Last evaluated: 2025-03-26. Review status: criteria provided, single submitter. Criteria: Invitae Variant Classification Sherloc (09022015). Collection method: clinical testing. Allele origin: germline.
Comment: This sequence change replaces glycine, which is neutral and non-polar, with glutamic acid, which is acidic and polar, at codon 937 of the COL4A3 protein (p.Gly937Glu). This variant is not present in population databases (gnomAD no frequency). This missense change has been observed in individuals with clinical features of Alport syndrome and/or glomerulopathy (PMID: 30586318; internal data). ClinVar contains an entry for this variant (Variation ID: 562350). Invitae Evidence Modeling of protein sequence and biophysical properties (such as structural, functional, and spatial information, amino acid conservation, physicochemical variation, residue mobility, and thermodynamic stability) indicates that this missense variant is expected to disrupt COL4A3 protein function with a positive predictive value of 80%. In summary, the currently available evidence indicates that the variant is pathogenic, but additional data are needed to prove that conclusively. Therefore, this variant has been classified as Likely Pathogenic.

Fulgent Genetics
Classification: Pathogenic for Autosomal dominant Alport syndrome; Hematuria, benign familial, 2; Alport syndrome 3b, autosomal recessive. Last evaluated: 2024-02-09. Review status: criteria provided, single submitter. Criteria: ACMG Guidelines, 2015. Collection method: clinical testing. Allele origin: germline.

Gharavi Laboratory, Columbia University
Classification: Likely pathogenic. Last evaluated: 2018-09-16. Review status: no assertion criteria provided. Criteria: ACMG Guidelines, 2015. Collection method: research. Allele origin: germline. Affected: yes. Not counted in ClinVar's aggregate classification.

Literature cited by the submitters: PubMed 30586318 (cited by Labcorp Genetics (formerly Invitae), Labcorp).

NM_000091.5(COL4A3):c.2810G>A (p.Gly937Glu)

Genes: COL4A3 (collagen type IV alpha 3 chain; plus strand), MFF-DT (MFF divergent transcript; minus strand). Cytogenetic location: 2q36.3.
Variant type: single nucleotide variant.
Coding change: c.2810G>A on transcript NM_000091.5 (MANE Select); coding-DNA position 2810, G replaced by A.
Protein change: p.Gly937Glu; replaces glycine 937 with glutamic acid.
Molecular consequence: missense variant.
Genome position (GRCh38, 1-based): chr2:227,284,274, G>A. VCF-style: chr2-227284274-G-A. GRCh37 (hg19) VCF-style: chr2-228148990-G-A.
Other names: short protein forms G937E.
Identifiers: ClinVar variation 562350 (VCV000562350.9), dbSNP rs1559899600, ClinGen allele CA350852064.